The following is an entry in ClinVar:

NM_004408.4(DNM1):c.1253AGA[1] (p.Lys419del)

Gene: DNM1 (dynamin 1; plus strand). Cytogenetic location: 9q34.11.
Variant type: Microsatellite.
Coding change: c.1253AGA[1] on transcript NM_004408.4 (MANE Select); one copy of the 3-base unit AGA starting at c.1253; the reference has two copies in a row; one copy, 3 bases deleted.
Protein change: p.Lys419del; deletes lysine 419.
Molecular consequence: inframe deletion. On other transcripts: intron variant (3).
Genome position (GRCh38, 1-based): chr9:128,224,310-128,224,312, AGA deleted; deleting any 3 consecutive bases within chr9:128,224,305-128,224,312 gives the same sequence; the position shown is the placement nearest the transcript's 3' end. VCF-style (leftmost placement, unchanged base first): chr9-128224304-TGAA-T. GRCh37 (hg19) VCF-style: chr9-130986583-TGAA-T.
Other names: c.1253AGA[1], p.Lys419del (NM_001005336.3, NM_001374269.1); c.1196+1450_1196+1452del (NM_001288738.2, NM_001288737.2, NM_001288739.2); short protein forms K419del.
Identifiers: ClinVar variation 4711843 (VCV004711843.1).

ClinVar aggregate classification (germline): Uncertain significance (1 of 4 stars; one submission).

Conditions:
Developmental and epileptic encephalopathy, 31A. Also called: Epileptic encephalopathy, early infantile, 31; Developmental and epileptic encephalopathy, 31. Identifiers: Orphanet 2382, MedGen C4225357, MONDO:0014598, OMIM 616346.

Submission:

Labcorp Genetics (formerly Invitae), Labcorp
Classification: Uncertain significance for Developmental and epileptic encephalopathy, 31A. Last evaluated: 2025-03-30. Review status: criteria provided, single submitter. Criteria: Invitae Variant Classification Sherloc (09022015). Collection method: clinical testing. Allele origin: germline.
Comment: This variant, c.1256_1258del, results in the deletion of 1 amino acid(s) of the DNM1 protein (p.Lys419del), but otherwise preserves the integrity of the reading frame. This variant is not present in population databases (gnomAD no frequency). This variant has not been reported in the literature in individuals affected with DNM1-related conditions. Experimental studies and prediction algorithms are not available or were not evaluated, and the functional significance of this variant is currently unknown. In summary, the available evidence is currently insufficient to determine the role of this variant in disease. Therefore, it has been classified as a Variant of Uncertain Significance.